The following is an entry in ClinVar:

ClinVar aggregate classification (germline): Uncertain significance. Review status: criteria provided, multiple submitters, no conflicts (2 of 4 stars). 2 submissions from 2 submitters: Uncertain significance (2). Last evaluated 2025-11-23.

Allele frequency attached by ClinVar (database versions not stated): TOPMed below 0.00001; ExAC 0.00001.
gnomAD v4.1: 4 of 1,614,042 alleles (0.00025%); highest among the groups gnomAD compares: Admixed American, 0.005%; no homozygotes.

Submissions (2):

Labcorp Genetics (formerly Invitae), Labcorp
Classification: Uncertain significance. Last evaluated: 2025-11-23. Review status: criteria provided, single submitter. Criteria: Invitae Variant Classification Sherloc (09022015). Collection method: clinical testing. Allele origin: germline.
Comment: This sequence change replaces alanine, which is neutral and non-polar, with valine, which is neutral and non-polar, at codon 2023 of the FBN3 protein (p.Ala2023Val). This variant is present in population databases (rs751612864, gnomAD 0.009%). This variant has not been reported in the literature in individuals affected with FBN3-related conditions. ClinVar contains an entry for this variant (Variation ID: 1969494). Invitae Evidence Modeling of protein sequence and biophysical properties (such as structural, functional, and spatial information, amino acid conservation, physicochemical variation, residue mobility, and thermodynamic stability) indicates that this missense variant is not expected to disrupt FBN3 protein function with a negative predictive value of 80%. In summary, the available evidence is currently insufficient to determine the role of this variant in disease. Therefore, it has been classified as a Variant of Uncertain Significance.

Ambry Genetics
Classification: Uncertain significance. Last evaluated: 2025-08-24. Review status: criteria provided, single submitter. Criteria: Ambry Variant Classification Scheme 2023. Collection method: clinical testing. Allele origin: germline.

NM_032447.5(FBN3):c.6068C>T (p.Ala2023Val)

Gene: FBN3 (fibrillin 3; minus strand). Cytogenetic location: 19p13.2.
Variant type: single nucleotide variant.
Coding change: c.6068C>T on transcript NM_032447.5 (MANE Select); coding-DNA position 6068, C replaced by T.
Protein change: p.Ala2023Val; replaces alanine 2023 with valine.
Molecular consequence: missense variant.
Genome position (GRCh38, 1-based): chr19:8,090,215, G>A on the plus strand (C>T on the coding strand, the complement: FBN3 is on the minus strand). VCF-style: chr19-8090215-G-A. GRCh37 (hg19) VCF-style: chr19-8155099-G-A.
Other names: c.6068C>T, p.Ala2023Val (NM_001321431.2); c.6068C>T (NM_032447.3); short protein forms A2023V.
Identifiers: ClinVar variation 1969494 (VCV001969494.6), dbSNP rs751612864, ClinGen allele CA9151424.
Genomic context (GRCh38, chr19:8,090,215, plus strand): 5'-TTACTGCAGCAGCAGCGGGTCTTGGTGGTGTTGAAAGCTTTGGGCACCGAGCACTTCCCA[G>A]CCTCAAAACGGGTGAAGCAGAAACTCTGCCGTGTGTCTGTGGGGTGGGGGCTCCATTACC-3'
Protein context (NP_115823.3, residues 2013-2033): RQSFCFTRFE[Ala2023Val]GKCSVPKAFN